The following is an entry in ClinVar:

ClinVar aggregate classification (germline): Likely benign. Review status: criteria provided, multiple submitters, no conflicts (2 of 4 stars). 5 submissions from 5 submitters: Likely benign (3). 2 of the submissions do not count toward it. Last evaluated 2025-11-18.

Conditions:
TTN-related disorder. Also called: TTN-related condition; TTN-related disease; TTN-related disorders.
Autosomal recessive limb-girdle muscular dystrophy type 2J (LGMDR10). Also called: Limb-girdle muscular dystrophy, type 2J; MUSCULAR DYSTROPHY, LIMB-GIRDLE, AUTOSOMAL RECESSIVE 10. Identifiers: Orphanet 140922, MedGen C1837342, MONDO:0012127, OMIM 608807.
Dilated cardiomyopathy 1G (CMD1G). Identifiers: Orphanet 154, MedGen C1858763, MONDO:0011400, OMIM 604145.

Allele frequency attached by ClinVar (database versions not stated): ExAC 0.00001; gnomAD exomes 0.00003 and 0.00007; TOPMed 0.00003; gnomAD 0.00004 and 0.00005; ESP Exome Variant Server 0.00008.
gnomAD v4.1: 114 of 1,612,990 alleles (0.0071%); highest among the groups gnomAD compares: Non-Finnish European, 0.0089%; no homozygotes.

Submissions (5):

Labcorp Genetics (formerly Invitae), Labcorp
Classification: Likely benign for Dilated cardiomyopathy 1G; Autosomal recessive limb-girdle muscular dystrophy type 2J. Last evaluated: 2025-11-18. Review status: criteria provided, single submitter. Criteria: Invitae Variant Classification Sherloc (09022015). Collection method: clinical testing. Allele origin: germline.

Athena Diagnostics
Classification: Likely benign. Last evaluated: 2025-07-31. Review status: criteria provided, single submitter. Criteria: Athena Diagnostics Criteria. Collection method: clinical testing. Allele origin: unknown.
Comment: Computational tools yielded predictions that this variant is unlikely to have an effect on normal RNA splicing. This nucleotide position exhibits low evolutionary conservation.

PreventionGenetics, part of Exact Sciences
Classification: Likely benign for TTN-related condition. Last evaluated: 2025-05-01. Review status: criteria provided, single submitter. Criteria: ACMG Guidelines, 2015. Collection method: clinical testing. Allele origin: germline.
Comment: This variant is classified as likely benign based on ACMG/AMP sequence variant interpretation guidelines (Richards et al. 2015 PMID: 25741868, with internal and published modifications).

Diagnostic Laboratory, Department of Genetics, University Medical Center Groningen
Classification: Likely benign. Review status: no assertion criteria provided. Collection method: clinical testing. Allele origin: germline. Affected: yes. Study: VKGL Data-share Consensus. Not counted in ClinVar's aggregate classification.

Genome Diagnostics Laboratory, University Medical Center Utrecht
Classification: Likely benign. Review status: no assertion criteria provided. Collection method: clinical testing. Allele origin: germline. Affected: yes. Study: VKGL Data-share Consensus. Not counted in ClinVar's aggregate classification.

NM_001267550.2(TTN):c.33015A>C (p.Pro11005=)

Gene: TTN (titin; minus strand). Cytogenetic location: 2q31.2.
Variant type: single nucleotide variant.
Coding change: c.33015A>C on transcript NM_001267550.2 (MANE Select); coding-DNA position 33015, A replaced by C.
Protein change: p.Pro11005=; no amino-acid change (proline 11005 retained).
Molecular consequence: synonymous variant. On other transcripts: intron variant (3).
Genome position (GRCh38, 1-based): chr2:178,682,776, T>G on the plus strand (A>C on the coding strand, the complement: TTN is on the minus strand). VCF-style: chr2-178682776-T-G. GRCh37 (hg19) VCF-style: chr2-179547503-T-G.
Other names: c.32064A>C, p.Pro10688= (NM_001256850.1); c.29283A>C, p.Pro9761= (NM_133378.4); c.13283-40459A>C (NM_003319.4); c.13859-40459A>C (NM_133437.4); c.13658-40459A>C (NM_133432.3); c.33015A>C (NM_001267550.1).
Identifiers: ClinVar variation 700022 (VCV000700022.14), dbSNP rs369298371, ClinGen allele CA1998475.